The following is an entry in ClinVar:

ClinVar aggregate classification (germline): Uncertain significance (1 of 4 stars; one submission).

Allele frequency attached by ClinVar (database versions not stated): gnomAD exomes 0.00001 and 0.00002; ExAC 0.00002.
gnomAD v4.1: 20 of 1,614,154 alleles (0.0012%); highest among the groups gnomAD compares: South Asian, 0.013%; no homozygotes.

Submission:

Labcorp Genetics (formerly Invitae), Labcorp
Classification: Uncertain significance. Last evaluated: 2023-12-07. Review status: criteria provided, single submitter. Criteria: Invitae Variant Classification Sherloc (09022015). Collection method: clinical testing. Allele origin: germline.
Comment: This sequence change replaces glycine, which is neutral and non-polar, with cysteine, which is neutral and slightly polar, at codon 116 of the EMC1 protein (p.Gly116Cys). This variant is present in population databases (rs778113185, gnomAD 0.02%). This variant has not been reported in the literature in individuals affected with EMC1-related conditions. ClinVar contains an entry for this variant (Variation ID: 1513111). Advanced modeling of protein sequence and biophysical properties (such as structural, functional, and spatial information, amino acid conservation, physicochemical variation, residue mobility, and thermodynamic stability) performed at Invitae indicates that this missense variant is expected to disrupt EMC1 protein function with a positive predictive value of 80%. In summary, the available evidence is currently insufficient to determine the role of this variant in disease. Therefore, it has been classified as a Variant of Uncertain Significance.

NM_015047.3(EMC1):c.346G>T (p.Gly116Cys)

Gene: EMC1 (ER membrane protein complex subunit 1; minus strand). Cytogenetic location: 1p36.13.
Variant type: single nucleotide variant.
Coding change: c.346G>T on transcript NM_015047.3 (MANE Select); coding-DNA position 346, G replaced by T.
Protein change: p.Gly116Cys; replaces glycine 116 with cysteine.
Molecular consequence: missense variant.
Genome position (GRCh38, 1-based): chr1:19,243,648, C>A on the plus strand (G>T on the coding strand, the complement: EMC1 is on the minus strand). VCF-style: chr1-19243648-C-A. GRCh37 (hg19) VCF-style: chr1-19570142-C-A.
Other names: c.346G>T, p.Gly116Cys (NM_001271428.2, NM_001375820.1, NM_001375821.1 and 1 more transcripts); c.280G>T, p.Gly94Cys (NM_001271429.2); short protein forms G94C, G116C.
Identifiers: ClinVar variation 1513111 (VCV001513111.6), dbSNP rs778113185, ClinGen allele CA652953.